The following is an entry in ClinVar:

NM_000465.4(BARD1):c.1792A>C (p.Thr598Pro)

Gene: BARD1 (BRCA1 associated RING domain 1; minus strand). Cytogenetic location: 2q35.
Variant type: single nucleotide variant.
Coding change: c.1792A>C on transcript NM_000465.4 (MANE Select); coding-DNA position 1792, A replaced by C.
Protein change: p.Thr598Pro; replaces threonine 598 with proline.
Molecular consequence: missense variant. On other transcripts: non-coding transcript variant (3), intron variant (1).
Genome position (GRCh38, 1-based): chr2:214,745,740, T>G on the plus strand (A>C on the coding strand, the complement: BARD1 is on the minus strand). VCF-style: chr2-214745740-T-G. GRCh37 (hg19) VCF-style: chr2-215610464-T-G.
Other names: c.1735A>C, p.Thr579Pro (NM_001282543.2); c.439A>C, p.Thr147Pro (NM_001282545.2); c.382A>C, p.Thr128Pro (NM_001282548.2); c.365-15232A>C (NM_001282549.2); short protein forms T147P, T598P, T579P, T128P.
Identifiers: ClinVar variation 3988707 (VCV003988707.1).

ClinVar aggregate classification (germline): Uncertain significance (1 of 4 stars; one submission).

Conditions:
Hereditary cancer-predisposing syndrome. Also called: Tumor predisposition; Hereditary neoplastic syndrome; Neoplastic Syndromes, Hereditary; Hereditary Cancer Syndrome. Identifiers: Orphanet 140162, MedGen C0027672, MeSH D009386, MONDO:0015356.

gnomAD v4.1: 1 of 1,614,064 alleles (0.000062%); highest among the groups gnomAD compares: Non-Finnish European, 0.000085%; no homozygotes.

Submission:

Ambry Genetics
Classification: Uncertain significance for Hereditary cancer-predisposing syndrome. Last evaluated: 2025-06-08. Review status: criteria provided, single submitter. Criteria: Ambry Variant Classification Scheme 2023. Collection method: clinical testing. Allele origin: germline.
Comment: The p.T598P variant (also known as c.1792A>C), located in coding exon 8 of the BARD1 gene, results from an A to C substitution at nucleotide position 1792. The threonine at codon 598 is replaced by proline, an amino acid with highly similar properties. This amino acid position is conserved. In addition, this alteration is predicted to be tolerated by in silico analysis. Based on the available evidence, the clinical significance of this variant remains unclear.